The following is an entry in ClinVar:

NM_001077706.3(ECT2L):c.272C>T (p.Ser91Phe)

Gene: ECT2L (epithelial cell transforming 2 like; plus strand). Cytogenetic location: 6q24.1.
Variant type: single nucleotide variant.
Coding change: c.272C>T on transcript NM_001077706.3 (MANE Select); coding-DNA position 272, C replaced by T.
Protein change: p.Ser91Phe; replaces serine 91 with phenylalanine.
Molecular consequence: missense variant.
Genome position (GRCh38, 1-based): chr6:138,838,444, C>T. VCF-style: chr6-138838444-C-T. GRCh37 (hg19) VCF-style: chr6-139159581-C-T.
Other names: c.272C>T, p.Ser91Phe (NM_001195037.2); short protein forms S91F.
Identifiers: ClinVar variation 134006 (VCV000134006.1), dbSNP rs116211453, ClinGen allele CA158396.

ClinVar aggregate classification (germline): not provided (0 of 4 stars; one submission).

Allele frequency attached by ClinVar (database versions not stated): gnomAD exomes 0.00040 and 0.00091; ExAC 0.00112; 1000 Genomes Project 0.00180; 1000 Genomes Project 30x 0.00187; gnomAD 0.00369 and 0.00407; ESP Exome Variant Server 0.00372; TOPMed 0.00427.

Submission:

ITMI
No classification provided. Condition: AllHighlyPenetrant. Last evaluated: 2013-09-19. Review status: no classification provided. Collection method: reference population. Allele origin: germline.
Comment: Please see associated publication for description of ethnicities

Literature cited by the submitters: PubMed 24728327.